The following is an entry in ClinVar:

NM_000059.4(BRCA2):c.5045del (p.Ser1682fs)

Gene: BRCA2 (BRCA2 DNA repair associated; plus strand). Cytogenetic location: 13q13.1.
Variant type: Deletion.
Coding change: c.5045del on transcript NM_000059.4 (MANE Select); coding-DNA position 5045, one base deleted (G; older notation c.5045delG).
Protein change: p.Ser1682fs; shifts the reading frame from serine 1682.
Molecular consequence: frameshift variant.
Genome position (GRCh38, 1-based): chr13:32,339,400, G deleted. VCF-style (leftmost placement, unchanged base first): chr13-32339399-AG-A. GRCh37 (hg19) VCF-style: chr13-32913536-AG-A.
Other names: c.5045delG (NM_000059.3); short protein forms S1682fs.
Identifiers: ClinVar variation 51759 (VCV000051759.3), dbSNP rs397507756, ClinGen allele CA021174.

ClinVar aggregate classification (germline): Pathogenic. Review status: reviewed by expert panel (3 of 4 stars). 2 submissions from 2 submitters: Pathogenic (1). 1 of the submissions does not count toward it. Last evaluated 2017-12-15.

Conditions:
Familial cancer of breast. Also called: BREAST CANCER, FAMILIAL; Hereditary breast cancer; hereditary breast carcinoma. Identifiers: Orphanet 227535, MedGen C0346153, MONDO:0016419, OMIM 114480. Disease mechanism: loss of function.
Breast-ovarian cancer, familial, susceptibility to, 2 (BROVCA2). Also called: BRCA2 Hereditary Breast and Ovarian Cancer. Identifiers: Orphanet 145, MedGen C2675520, MONDO:0012933, OMIM 612555. Disease mechanism: loss of function.

Submissions (2):

Evidence-based Network for the Interpretation of Germline Mutant Alleles (ENIGMA)
Classification: Pathogenic for Breast-ovarian cancer, familial, susceptibility to, 2. Last evaluated: 2017-12-15. Review status: reviewed by expert panel. Criteria: ENIGMA BRCA1/2 Classification Criteria (2017-06-29). Collection method: curation. Allele origin: germline. Study: ENIGMA.
Comment: Variant allele predicted to encode a truncated non-functional protein.

ClinVar Staff, National Center for Biotechnology Information (NCBI)
No classification provided. Condition: Familial cancer of breast. Review status: no classification provided. Collection method: literature only. Allele origin: germline. Affected: yes. Not counted in ClinVar's aggregate classification.

Literature cited by the submitters: PubMed 11710890 (cited by ClinVar Staff, National Center for Biotechnology Information (NCBI)).